The following is an entry in ClinVar:

ClinVar aggregate classification (germline): Uncertain significance (1 of 4 stars; one submission).

Conditions:
Charcot-Marie-Tooth disease type 4A. Also called: Charcot-Marie-Tooth disease, demyelinating, autosomal recessive, type 4a. Identifiers: Orphanet 99948, MedGen C1859198, MONDO:0008961, OMIM 214400.

Submission:

Labcorp Genetics (formerly Invitae), Labcorp
Classification: Uncertain significance for Charcot-Marie-Tooth disease type 4A. Last evaluated: 2024-04-27. Review status: criteria provided, single submitter. Criteria: Invitae Variant Classification Sherloc (09022015). Collection method: clinical testing. Allele origin: germline.
Comment: This sequence change replaces glutamine, which is neutral and polar, with glutamic acid, which is acidic and polar, at codon 38 of the GDAP1 protein (p.Gln38Glu). This variant is not present in population databases (gnomAD no frequency). This variant has not been reported in the literature in individuals affected with GDAP1-related conditions. An algorithm developed to predict the effect of missense changes on protein structure and function (PolyPhen-2) suggests that this variant is likely to be tolerated. In summary, the available evidence is currently insufficient to determine the role of this variant in disease. Therefore, it has been classified as a Variant of Uncertain Significance.

NM_018972.4(GDAP1):c.112C>G (p.Gln38Glu)

Genes: GDAP1 (ganglioside induced differentiation associated protein 1; plus strand), LOC130000622 (ATAC-STARR-seq lymphoblastoid active region 27542; plus strand). Cytogenetic location: 8q21.11.
Variant type: single nucleotide variant.
Coding change: c.112C>G on transcript NM_018972.4 (MANE Select); coding-DNA position 112, C replaced by G.
Protein change: p.Gln38Glu; replaces glutamine 38 with glutamic acid.
Molecular consequence: missense variant. On other transcripts: 5 prime UTR variant (2), intron variant (1).
Genome position (GRCh38, 1-based): chr8:74,350,573, C>G. VCF-style: chr8-74350573-C-G. GRCh37 (hg19) VCF-style: chr8-75262808-C-G.
Other names: c.-71C>G (NM_001362929.2); c.112C>G, p.Gln38Glu (NM_001362930.2, NM_001362931.2); c.-23C>G (NM_001362932.2); c.-64+101C>G (NM_001040875.4); short protein forms Q38E.
Identifiers: ClinVar variation 3651375 (VCV003651375.2).